The following is an entry in ClinVar:

NM_003995.4(NPR2):c.3017A>C (p.Lys1006Thr)

Genes: NPR2 (natriuretic peptide receptor 2; plus strand), SPAG8 (sperm associated antigen 8; minus strand). Cytogenetic location: 9p13.3.
Variant type: single nucleotide variant.
Coding change: c.3017A>C on transcript NM_003995.4 (MANE Select); coding-DNA position 3017, A replaced by C.
Protein change: p.Lys1006Thr; replaces lysine 1006 with threonine.
Molecular consequence: missense variant. On other transcripts: intron variant (2).
Genome position (GRCh38, 1-based): chr9:35,809,186, A>C. VCF-style: chr9-35809186-A-C. GRCh37 (hg19) VCF-style: chr9-35809183-A-C.
Other names: c.3026A>C, p.Lys1009Thr (NM_001378923.1); c.1201-880T>G (NM_001366760.2); c.1372+218T>G (NM_172312.2); short protein forms K1006T, K1009T.
Identifiers: ClinVar variation 3339451 (VCV003339451.1).
Genomic context (GRCh38, chr9:35,809,186, plus strand): 5'-CCACCATCCTCCCCATTCCACCCACCCCAGCGCTGAAGATCCATGTCTCCTCTACCACCA[A>C]GGATGCCCTAGATGAGCTAGGATGCTTCCAGCTAGAGCTTCGGGGGGATGTGGAAATGAA-3'
Protein context (NP_003986.2, residues 996-1016): ALKIHVSSTT[Lys1006Thr]DALDELGCFQ

ClinVar aggregate classification (germline): Uncertain significance (1 of 4 stars; one submission).

gnomAD v4.1: 21 of 1,613,980 alleles (0.0013%); highest among the groups gnomAD compares: Non-Finnish European, 0.0018%; no homozygotes.

Submission:

Women's Health and Genetics/Laboratory Corporation of America, LabCorp
Classification: Uncertain significance. Last evaluated: 2024-07-18. Review status: criteria provided, single submitter. Criteria: LabCorp Variant Classification Summary - May 2015. Collection method: clinical testing. Allele origin: germline.
Comment: Variant summary: NPR2 c.3017A>C (p.Lys1006Thr) results in a non-conservative amino acid change located in the Adenylyl cyclase class-3/4/guanylyl cyclase domain (IPR001054) of the encoded protein sequence. Five of five in-silico tools predict a damaging effect of the variant on protein function. The variant allele was found at a frequency of 1.3e-05 in 1607006 control chromosomes (gnomAD v4.1). This frequency is not significantly higher than estimated for a pathogenic variant in NPR2 causing NPR2-Related Disorders, allowing no conclusion about variant significance. To our knowledge, no occurrence of c.3017A>C in individuals affected with NPR2-Related Disorders and no experimental evidence demonstrating its impact on protein function have been reported. No submitters have cited clinical-significance assessments for this variant to ClinVar. Based on the evidence outlined above, the variant was classified as uncertain significance.